The following is an entry in ClinVar:

ClinVar aggregate classification (germline): Benign/Likely benign. Review status: criteria provided, multiple submitters, no conflicts (2 of 4 stars). 2 submissions from 2 submitters: Benign (1); Likely benign (1). Last evaluated 2026-07-01.

Conditions:
Primary ciliary dyskinesia. Also called: Ciliary dyskinesia. Identifiers: Orphanet 244, MedGen C0008780, MONDO:0016575, HP:0012265.

Allele frequency attached by ClinVar (database versions not stated): gnomAD exomes below 0.00001; gnomAD 0.00001.
gnomAD v4.1: 4 of 1,551,724 alleles (0.00026%); highest among the groups gnomAD compares: Admixed American, 0.0059%; no homozygotes.

Submissions (2):

CeGaT Center for Human Genetics Tuebingen
Classification: Likely benign. Last evaluated: 2026-07-01. Review status: criteria provided, single submitter. Criteria: CeGaT Center For Human Genetics Tuebingen Variant Classification Criteria Version 2. Collection method: clinical testing. Allele origin: germline. Affected: yes. Observed: 1 variant allele.
Comment: DNAH11: BP4, BP7

Labcorp Genetics (formerly Invitae), Labcorp
Classification: Benign for Primary ciliary dyskinesia. Last evaluated: 2024-10-29. Review status: criteria provided, single submitter. Criteria: Invitae Variant Classification Sherloc (09022015). Collection method: clinical testing. Allele origin: germline.

NM_001277115.2(DNAH11):c.129G>A (p.Glu43=)

Gene: DNAH11 (dynein axonemal heavy chain 11; plus strand). Cytogenetic location: 7p15.3.
Variant type: single nucleotide variant.
Coding change: c.129G>A on transcript NM_001277115.2 (MANE Select); coding-DNA position 129, G replaced by A.
Protein change: p.Glu43=; no amino-acid change (glutamic acid 43 retained).
Molecular consequence: synonymous variant.
Genome position (GRCh38, 1-based): chr7:21,543,374, G>A. VCF-style: chr7-21543374-G-A. GRCh37 (hg19) VCF-style: chr7-21582992-G-A.
Other names: c.129G>A, p.Glu43= (NM_003777.3).
Identifiers: ClinVar variation 2160535 (VCV002160535.5), dbSNP rs1457396865, ClinGen allele CA454138914.